The following is an entry in ClinVar:

NM_014975.3(MAST1):c.1270G>T (p.Asp424Tyr)

Gene: MAST1 (microtubule associated serine/threonine kinase 1; plus strand). Cytogenetic location: 19p13.13.
Variant type: single nucleotide variant.
Coding change: c.1270G>T on transcript NM_014975.3 (MANE Select); coding-DNA position 1270, G replaced by T.
Protein change: p.Asp424Tyr; replaces aspartic acid 424 with tyrosine.
Molecular consequence: missense variant.
Genome position (GRCh38, 1-based): chr19:12,858,643, G>T. VCF-style: chr19-12858643-G-T. GRCh37 (hg19) VCF-style: chr19-12969457-G-T.
Other names: short protein forms D424Y.
Identifiers: ClinVar variation 3375500 (VCV003375500.1).

ClinVar aggregate classification (germline): Uncertain significance (1 of 4 stars; one submission).

Submission:

GeneDx
Classification: Uncertain significance. Last evaluated: 2024-05-11. Review status: criteria provided, single submitter. Criteria: GeneDx Variant Classification Process June 2021. Collection method: clinical testing. Allele origin: germline. Affected: yes.
Comment: Not observed at significant frequency in large population cohorts (gnomAD); In silico analysis supports that this missense variant has a deleterious effect on protein structure/function; Has not been previously published as pathogenic or benign to our knowledge